The following is an entry in ClinVar:

ClinVar aggregate classification (germline): Likely benign. Review status: criteria provided, multiple submitters, no conflicts (2 of 4 stars). 4 submissions from 4 submitters: Likely benign (4). Last evaluated 2025-03-23.

Conditions:
RYR1-related disorder. Also called: RYR1-related condition; RYR1-related disorders. Identifiers: MedGen CN239331.
Malignant hyperthermia, susceptibility to, 1 (MHS1). Also called: RYR1-Related Malignant Hyperthermia Susceptibility; Anesthesia related hyperthermia; Malignant hyperpyrexia; Fulminating hyperpyrexia; Pharmacogenic myopathy; Malignant hyperthermia suceptibility 1. Identifiers: Orphanet 423, MedGen C2930980, MONDO:0007783, OMIM 145600.

Allele frequency attached by ClinVar (database versions not stated): gnomAD 0.00001; gnomAD exomes 0.00002 and 0.00003; TOPMed 0.00002; ExAC 0.00003.
gnomAD v4.1: 41 of 1,613,298 alleles (0.0025%); highest among the groups gnomAD compares: East Asian, 0.029%; no homozygotes.

Submissions (4):

Labcorp Genetics (formerly Invitae), Labcorp
Classification: Likely benign for RYR1-related disorder. Last evaluated: 2025-03-23. Review status: criteria provided, single submitter. Criteria: Invitae Variant Classification Sherloc (09022015). Collection method: clinical testing. Allele origin: germline.

CeGaT Center for Human Genetics Tuebingen
Classification: Likely benign. Last evaluated: 2024-09-01. Review status: criteria provided, single submitter. Criteria: CeGaT Center For Human Genetics Tuebingen Variant Classification Criteria Version 2. Collection method: clinical testing. Allele origin: germline. Affected: yes. Observed: 2 variant alleles.
Comment: RYR1: BP4, BP7

All of Us Research Program, National Institutes of Health
Classification: Likely benign for Malignant hyperthermia, susceptibility to, 1. Last evaluated: 2024-01-08. Review status: criteria provided, single submitter. Criteria: ACMG Guidelines, 2015. Collection method: clinical testing. Allele origin: germline. Inheritance: Autosomal dominant inheritance. Observed: 6 variant alleles, 6 heterozygotes.
Comment: This study involves interpretation of variants in research participants for the purpose of population health screening. Participant phenotype was not available at the time of variant classification. Additional details can be found in publication PMID: 35346344, PMCID: PMC8962531

Color Diagnostics, LLC DBA Color Health
Classification: Likely benign for Malignant hyperthermia, susceptibility to, 1. Last evaluated: 2022-11-06. Review status: criteria provided, single submitter. Criteria: ACMG Guidelines, 2015. Collection method: clinical testing. Allele origin: germline.

NM_000540.3(RYR1):c.7599C>T (p.Ala2533=)

Gene: RYR1 (ryanodine receptor 1; plus strand). Cytogenetic location: 19q13.2.
Variant type: single nucleotide variant.
Coding change: c.7599C>T on transcript NM_000540.3 (MANE Select); coding-DNA position 7599, C replaced by T.
Protein change: p.Ala2533=; no amino-acid change (alanine 2533 retained).
Molecular consequence: synonymous variant.
Genome position (GRCh38, 1-based): chr19:38,500,975, C>T. VCF-style: chr19-38500975-C-T. GRCh37 (hg19) VCF-style: chr19-38991615-C-T.
Other names: c.7599C>T, p.Ala2533= (NM_001042723.2).
Identifiers: ClinVar variation 1086705 (VCV001086705.33), dbSNP rs770552982, ClinGen allele CA069793.